The following is an entry in ClinVar:

ClinVar aggregate classification (germline): Likely pathogenic. Review status: criteria provided, multiple submitters, no conflicts (2 of 4 stars). 2 submissions from 2 submitters: Likely pathogenic (2). Last evaluated 2019-09-24.

Conditions:
SLC12A3-related disorder. Also called: SLC12A3-related condition.
Familial hypokalemia-hypomagnesemia (GTLMNS). Also called: POTASSIUM AND MAGNESIUM DEPLETION; gitelman syndrome; HYPOMAGNESEMIA-HYPOKALEMIA, PRIMARY RENOTUBULAR, WITH HYPOCALCIURIA. Identifiers: Orphanet 358, MedGen C0268450, MONDO:0009904, OMIM 263800.

Submissions (2):

Blueprint Genetics
Classification: Likely pathogenic for SLC12A3-related disorders. Last evaluated: 2019-09-24. Review status: criteria provided, single submitter. Criteria: ACMG Guidelines, 2015. Collection method: clinical testing. Allele origin: germline. Affected: yes. Observed: 1 variant allele.

Juno Genomics, Hangzhou Juno Genomics, Inc
Classification: Likely pathogenic for Familial hypokalemia-hypomagnesemia. Review status: criteria provided, single submitter. Criteria: ACMG Guidelines, 2015. Collection method: clinical testing. Allele origin: germline. Affected: yes.
Comment: Absent from controls (or at extremely low frequency if recessive) in Genome Aggregation Database, Exome Sequencing Project, 1000 Genomes Project, or Exome Aggregation Consortium.;Null variant in a gene where loss of function (LOF) is a known mechanism of disease.

NM_001126108.2(SLC12A3):c.1142G>A (p.Trp381Ter)

Gene: SLC12A3 (solute carrier family 12 member 3; plus strand). Cytogenetic location: 16q13.
Variant type: single nucleotide variant.
Coding change: c.1142G>A on transcript NM_001126108.2 (MANE Select); coding-DNA position 1142, G replaced by A.
Protein change: p.Trp381Ter; replaces tryptophan 381 with a stop codon.
Molecular consequence: nonsense.
Genome position (GRCh38, 1-based): chr16:56,878,123, G>A. VCF-style: chr16-56878123-G-A. GRCh37 (hg19) VCF-style: chr16-56912035-G-A.
Other names: c.1142G>A, p.Trp381Ter (NM_000339.3); c.1139G>A, p.Trp380Ter (NM_001126107.2, NM_001410896.1); short protein forms W380*, W381*.
Identifiers: ClinVar variation 3764672 (VCV003764672.3).
Genomic context (GRCh38, chr16:56,878,123, plus strand): 5'-CCTCCCTCCTTCAGGACCCTGCTATAGCCATCCCCAAGGGGACCCTCATGGCCATTTTCT[G>A]GACGACCATTTCCTACCTGGCCATCTCAGCCACCATTGGTAAGTGGCCGGCCCAGCCAGT-3'